The following is an entry in ClinVar:

ClinVar aggregate classification (germline): Uncertain significance (1 of 4 stars; one submission).

Conditions:
Heterotopia, periventricular, X-linked dominant (PVNH1). Also called: PERIVENTRICULAR NODULAR HETEROTOPIA 1; X-linked periventricular heterotopia; PERIVENTRICULAR NODULAR HETEROTOPIA 4; HETEROTOPIA, PERIVENTRICULAR, 1. Identifiers: Orphanet 2149, Orphanet 82004, MedGen C1848213, MONDO:0010233, OMIM 300049.
Melnick-Needles syndrome (MNS). Also called: Melnick-Needles Syndrome (FLNA-MNS); MELNICK-NEEDLES OSTEODYSPLASTY; OSTEODYSPLASTY OF MELNICK AND NEEDLES. Identifiers: Orphanet 2484, MedGen C0025237, MONDO:0010650, OMIM 309350.
Frontometaphyseal dysplasia (FMD1). Identifiers: Orphanet 1826, MedGen C0265293, MONDO:0015942.
Oto-palato-digital syndrome, type II (OPD2). Also called: Otopalatodigital Syndrome Type 2 (FLNA-OPD2); FACIOPALATOOSSEOUS SYNDROME; OPD II SYNDROME; Otopalatodigital Syndrome, Type II. Identifiers: Orphanet 669, Orphanet 90652, MedGen C1844696, MONDO:0010571, OMIM 304120.

Submission:

Labcorp Genetics (formerly Invitae), Labcorp
Classification: Uncertain significance for Oto-palato-digital syndrome, type II; Heterotopia, periventricular, X-linked dominant; Frontometaphyseal dysplasia; Melnick-Needles syndrome. Last evaluated: 2023-10-07. Review status: criteria provided, single submitter. Criteria: Invitae Variant Classification Sherloc (09022015). Collection method: clinical testing. Allele origin: germline.
Comment: This sequence change replaces threonine, which is neutral and polar, with alanine, which is neutral and non-polar, at codon 518 of the FLNA protein (p.Thr518Ala). This variant is not present in population databases (gnomAD no frequency). This variant has not been reported in the literature in individuals affected with FLNA-related conditions. Advanced modeling of protein sequence and biophysical properties (such as structural, functional, and spatial information, amino acid conservation, physicochemical variation, residue mobility, and thermodynamic stability) performed at Invitae indicates that this missense variant is not expected to disrupt FLNA protein function. In summary, the available evidence is currently insufficient to determine the role of this variant in disease. Therefore, it has been classified as a Variant of Uncertain Significance.

NM_001110556.2(FLNA):c.1552A>G (p.Thr518Ala)

Gene: FLNA (filamin A; minus strand). Cytogenetic location: Xq28.
Variant type: single nucleotide variant.
Coding change: c.1552A>G on transcript NM_001110556.2 (MANE Select); coding-DNA position 1552, A replaced by G.
Protein change: p.Thr518Ala; replaces threonine 518 with alanine.
Molecular consequence: missense variant.
Genome position (GRCh38, 1-based): chrX:154,365,364, T>C on the plus strand (A>G on the coding strand, the complement: FLNA is on the minus strand). VCF-style: chrX-154365364-T-C. GRCh37 (hg19) VCF-style: chrX-153593732-T-C.
Other names: c.1552A>G, p.Thr518Ala (NM_001456.4); short protein forms T518A.
Identifiers: ClinVar variation 2949476 (VCV002949476.3), dbSNP rs2067749745, ClinGen allele CA415243326.